The following is an entry in ClinVar:

NM_201384.3(PLEC):c.13194C>A (p.Ile4398=)

Gene: PLEC (plectin; minus strand). Cytogenetic location: 8q24.3.
Variant type: single nucleotide variant.
Coding change: c.13194C>A on transcript NM_201384.3 (MANE Select); coding-DNA position 13194, C replaced by A.
Protein change: p.Ile4398=; no amino-acid change (isoleucine 4398 retained).
Molecular consequence: synonymous variant.
Genome position (GRCh38, 1-based): chr8:143,916,627, G>T on the plus strand (C>A on the coding strand, the complement: PLEC is on the minus strand). VCF-style: chr8-143916627-G-T. GRCh37 (hg19) VCF-style: chr8-144990795-G-T.
Other names: c.13152C>A, p.Ile4384= (NM_201378.4); c.13128C>A, p.Ile4376= (NM_201379.3); c.13605C>A, p.Ile4535= (NM_201380.4); c.13098C>A, p.Ile4366= (NM_201381.3); c.13194C>A, p.Ile4398= (NM_201382.4); c.13206C>A, p.Ile4402= (NM_201383.3); c.13275C>A, p.Ile4425= (NM_000445.5); c.9894C>A, p.Ile3298= (NM_001410941.1).
Identifiers: ClinVar variation 4822530 (VCV004822530.4).

ClinVar aggregate classification (germline): Likely benign (1 of 4 stars; one submission).

gnomAD v4.1: 1 of 1,610,034 alleles (0.000062%); no homozygotes.

Submission:

CeGaT Center for Human Genetics Tuebingen
Classification: Likely benign. Last evaluated: 2026-02-01. Review status: criteria provided, single submitter. Criteria: CeGaT Center For Human Genetics Tuebingen Variant Classification Criteria Version 2. Collection method: clinical testing. Allele origin: germline. Affected: yes. Observed: 1 variant allele.
Comment: PLEC: BP4, BP7